The following is an entry in ClinVar:

NM_000074.3(CD40LG):c.385G>T (p.Glu129Ter)

Gene: CD40LG (CD40 ligand; plus strand). Cytogenetic location: Xq26.3.
Variant type: single nucleotide variant.
Coding change: c.385G>T on transcript NM_000074.3 (MANE Select); coding-DNA position 385, G replaced by T.
Protein change: p.Glu129Ter; replaces glutamic acid 129 with a stop codon.
Molecular consequence: nonsense.
Genome position (GRCh38, 1-based): chrX:136,656,394, G>T. VCF-style: chrX-136656394-G-T. GRCh37 (hg19) VCF-style: chrX-135738553-G-T.
Other names: short protein forms E129*.
Identifiers: ClinVar variation 1405864 (VCV001405864.6), dbSNP rs1215852570, ClinGen allele CA414755027.
Genomic context (GRCh38, chrX:136,656,394, plus strand): 5'-ACAGTTTTTGGTTCCATTTCAGGTGATCAGAATCCTCAAATTGCGGCACATGTCATAAGT[G>T]AGGCCAGCAGTAAAACAACATCTGGTAAGTCACACAGCATCTGAGCGGTAGCCACCCAAG-3'

ClinVar aggregate classification (germline): Pathogenic (1 of 4 stars; one submission).

Conditions:
Hyper-IgM syndrome type 1. Also called: Hyper-IgM Immunodeficiency Syndrome, Type 1; CD40 Ligand Deficiency; X-linked hyper-IgM syndrome; Immunodeficiency, X-linked, with hyper-IgM. Identifiers: Orphanet 101088, MedGen C0398689, MONDO:0010626, OMIM 308230.

Submission:

Labcorp Genetics (formerly Invitae), Labcorp
Classification: Pathogenic for Hyper-IgM syndrome type 1. Last evaluated: 2021-09-27. Review status: criteria provided, single submitter. Criteria: Invitae Variant Classification Sherloc (09022015). Collection method: clinical testing. Allele origin: germline.
Comment: For these reasons, this variant has been classified as Pathogenic. This variant disrupts a region of the CD40LG protein in which other variant(s) (p.Gln232*) have been determined to be pathogenic (PMID: 8550833, 18805740). This suggests that this is a clinically significant region of the protein, and that variants that disrupt it are likely to be disease-causing. This variant has not been reported in the literature in individuals affected with CD40LG-related conditions. This variant is not present in population databases (ExAC no frequency). This sequence change creates a premature translational stop signal (p.Glu129*) in the CD40LG gene. While this is not anticipated to result in nonsense mediated decay, it is expected to disrupt the last 133 amino acid(s) of the CD40LG protein.

Literature cited by the submitters: PubMed 8550833; PubMed 18805740.